The following is an entry in ClinVar:

NM_000278.5(PAX2):c.*52C>G

Gene: PAX2 (paired box 2; plus strand). Cytogenetic location: 10q24.31.
Variant type: single nucleotide variant.
Coding change: c.*52C>G on transcript NM_000278.5 (MANE Select); 52 bases downstream of the stop codon, C replaced by G.
Molecular consequence: 3 prime UTR variant. On other transcripts: missense variant (2).
Genome position (GRCh38, 1-based): chr10:100,827,671, C>G. VCF-style: chr10-100827671-C-G. GRCh37 (hg19) VCF-style: chr10-102587428-C-G.
Other names: c.*52C>G (NM_001304569.2, NM_003987.5); c.*129C>G (NM_003988.5); c.1218C>G, p.Ile406Met (NM_003989.5); c.1287C>G, p.Ile429Met (NM_003990.5); c.1287C>G (NM_003990.4); short protein forms I429M, I406M.
Identifiers: ClinVar variation 2048058 (VCV002048058.6), dbSNP rs201495362, ClinGen allele CA5651050.

ClinVar aggregate classification (germline): Likely benign. Review status: criteria provided, multiple submitters, no conflicts (2 of 4 stars). 3 submissions from 3 submitters: Likely benign (3). Last evaluated 2025-07-31.

Conditions:
PAX2-Related Disorder. Also called: PAX2-related disorders. Identifiers: MedGen CN381309.
Renal coloboma syndrome (PAPRS). Also called: PAPILLORENAL SYNDROME; COLOBOMA OF OPTIC NERVE WITH RENAL DISEASE; PAPILLORENAL SYNDROME WITH MILD OCULAR ABNORMALITIES; CONGENITAL ANOMALIES OF THE KIDNEY AND URINARY TRACT WITH OR WITHOUT OCULAR ABNORMALITIES; CAKUT WITH OR WITHOUT OCULAR ABNORMALITIES; OPTIC COLOBOMA, VESICOURETERAL REFLUX, AND RENAL ANOMALIES. Identifiers: Orphanet 1475, MedGen C1852759, MONDO:0007352, OMIM 120330.
Focal segmental glomerulosclerosis 7 (FSGS7). Identifiers: Orphanet 656, MedGen C4014925, MONDO:0014451, OMIM 616002.

Allele frequency attached by ClinVar (database versions not stated): 1000 Genomes Project 0.00040; ESP Exome Variant Server 0.00046; 1000 Genomes Project 30x 0.00047.
gnomAD v4.1: 931 of 1,613,430 alleles (0.058%); highest among the groups gnomAD compares: Non-Finnish European, 0.072%; 2 homozygotes.

Submissions (3):

PreventionGenetics, part of Exact Sciences
Classification: Likely benign for PAX2-related condition. Last evaluated: 2025-07-31. Review status: criteria provided, single submitter. Criteria: ACMG Guidelines, 2015. Collection method: clinical testing. Allele origin: germline.
Comment: This variant is classified as likely benign based on ACMG/AMP sequence variant interpretation guidelines (Richards et al. 2015 PMID: 25741868, with internal and published modifications).

Blueprint Genetics
Classification: Likely benign. Last evaluated: 2024-10-24. Review status: criteria provided, single submitter. Criteria: ACMG Guidelines, 2015. Collection method: clinical testing. Allele origin: germline.

Labcorp Genetics (formerly Invitae), Labcorp
Classification: Likely benign for Renal coloboma syndrome; Focal segmental glomerulosclerosis 7. Last evaluated: 2019-08-29. Review status: criteria provided, single submitter. Criteria: Invitae Variant Classification Sherloc (09022015). Collection method: clinical testing. Allele origin: germline.